The following is an entry in ClinVar:

NM_014363.6(SACS):c.4302A>G (p.Leu1434=)

Gene: SACS (sacsin molecular chaperone; minus strand). Cytogenetic location: 13q12.12.
Variant type: single nucleotide variant.
Coding change: c.4302A>G on transcript NM_014363.6 (MANE Select); coding-DNA position 4302, A replaced by G.
Protein change: p.Leu1434=; no amino-acid change (leucine 1434 retained).
Molecular consequence: synonymous variant.
Genome position (GRCh38, 1-based): chr13:23,339,574, T>C on the plus strand (A>G on the coding strand, the complement: SACS is on the minus strand). VCF-style: chr13-23339574-T-C. GRCh37 (hg19) VCF-style: chr13-23913713-T-C.
Other names: c.3861A>G, p.Leu1287= (NM_001278055.2).
Identifiers: ClinVar variation 311544 (VCV000311544.64), dbSNP rs34559250, ClinGen allele CA6911407.

ClinVar aggregate classification (germline): Conflicting classifications of pathogenicity. Review status: criteria provided, conflicting classifications (1 of 4 stars). 9 submissions from 9 submitters: Uncertain significance (1); Benign (2); Likely benign (5). 1 of the submissions does not count toward it. Last evaluated 2026-01-21.

Conditions:
SACS-related disorder. Also called: SACS-related condition.
Spastic paraplegia. Identifiers: MedGen C0037772, HP:0001258.
Charlevoix-Saguenay spastic ataxia (SACS). Also called: SPASTIC ATAXIA 6, AUTOSOMAL RECESSIVE; AUTOSOMAL RECESSIVE SPASTIC ATAXIA OF CHARLEVOIX-SAGUENAY; Spastic ataxia of Charlevoix-Saguenay. Identifiers: Orphanet 98, MedGen C1849140, MONDO:0010041, OMIM 270550.
Hereditary spastic paraplegia. Also called: Familial spastic paraparesis. Identifiers: Orphanet 685, MedGen C0037773, MONDO:0019064. Disease mechanism: loss of function.

Allele frequency attached by ClinVar (database versions not stated): ESP Exome Variant Server 0.00008; gnomAD 0.00016 and 0.00035; TOPMed 0.00025; gnomAD exomes 0.00066 and 0.00128; 1000 Genomes Project 30x 0.00078; 1000 Genomes Project 0.00100; ExAC 0.00130.
gnomAD v4.1: 1,017 of 1,612,886 alleles (0.063%); highest among the groups gnomAD compares: South Asian, 0.81%; 11 homozygotes.

Submissions (9):

Labcorp Genetics (formerly Invitae), Labcorp
Classification: Benign for Spastic paraplegia. Last evaluated: 2026-01-21. Review status: criteria provided, single submitter. Criteria: Invitae Variant Classification Sherloc (09022015). Collection method: clinical testing. Allele origin: germline.

PreventionGenetics, part of Exact Sciences
Classification: Benign for SACS-related condition. Last evaluated: 2025-12-18. Review status: criteria provided, single submitter. Criteria: ACMG Guidelines, 2015. Collection method: clinical testing. Allele origin: germline.
Comment: This variant is classified as benign based on ACMG/AMP sequence variant interpretation guidelines (Richards et al. 2015 PMID: 25741868, with internal and published modifications).

CeGaT Center for Human Genetics Tuebingen
Classification: Likely benign. Last evaluated: 2025-01-01. Review status: criteria provided, single submitter. Criteria: CeGaT Center For Human Genetics Tuebingen Variant Classification Criteria Version 2. Collection method: clinical testing. Allele origin: germline. Affected: yes. Observed: 6 variant alleles.
Comment: SACS: BP4, BP7

Genome-Nilou Lab
Classification: Likely benign for Charlevoix-Saguenay spastic ataxia. Last evaluated: 2021-09-05. Review status: criteria provided, single submitter. Criteria: ACMG Guidelines, 2015. Collection method: clinical testing. Allele origin: germline. Affected: no.

Pars Genome Lab
Classification: Likely benign for Charlevoix-Saguenay spastic ataxia. Last evaluated: 2021-05-18. Review status: criteria provided, single submitter. Criteria: ACMG Guidelines, 2015. Collection method: clinical testing. Allele origin: germline. Affected: no.

Genome Diagnostics Laboratory, The Hospital for Sick Children
Classification: Likely benign for Hereditary spastic paraplegia. Last evaluated: 2020-01-02. Review status: criteria provided, single submitter. Criteria: ACMG Guidelines, 2015. Collection method: clinical testing. Allele origin: germline. Affected: yes.

Illumina Laboratory Services, Illumina
Classification: Uncertain significance for Charlevoix-Saguenay spastic ataxia. Last evaluated: 2018-01-12. Review status: criteria provided, single submitter. Criteria: ICSL Variant Classification Criteria 13 December 2019. Collection method: clinical testing. Allele origin: germline.

Athena Diagnostics
Classification: Likely benign. Last evaluated: 2016-12-01. Review status: criteria provided, single submitter. Criteria: Athena Diagnostics Criteria. Collection method: clinical testing. Allele origin: germline.

Natera, Inc.
Classification: Likely benign for Charlevoix-Saguenay type spastic ataxia. Last evaluated: 2019-11-11. Review status: no assertion criteria provided. Collection method: clinical testing. Allele origin: germline. Not counted in ClinVar's aggregate classification.